The following is an entry in ClinVar:

NM_000465.4(BARD1):c.-1G>A

Gene: BARD1 (BRCA1 associated RING domain 1; minus strand). Cytogenetic location: 2q35.
Variant type: single nucleotide variant.
Coding change: c.-1G>A on transcript NM_000465.4 (MANE Select); 1 bases upstream of the start codon, G replaced by A.
Molecular consequence: 5 prime UTR variant. On other transcripts: non-coding transcript variant (3).
Genome position (GRCh38, 1-based): chr2:214,809,570, C>T on the plus strand (G>A on the coding strand, the complement: BARD1 is on the minus strand). VCF-style: chr2-214809570-C-T. GRCh37 (hg19) VCF-style: chr2-215674294-C-T.
Other names: c.-1G>A (NM_001282543.2, NM_001282545.2, NM_001282548.2 and 1 more transcripts).
Identifiers: ClinVar variation 479172 (VCV000479172.5), dbSNP rs920073385, ClinGen allele CA64810479.

ClinVar aggregate classification (germline): Uncertain significance (1 of 4 stars; one submission).

Conditions:
Hereditary cancer-predisposing syndrome. Also called: Neoplastic Syndromes, Hereditary; Hereditary Cancer Syndrome; Hereditary neoplastic syndrome; Tumor predisposition. Identifiers: Orphanet 140162, MedGen C0027672, MeSH D009386, MONDO:0015356.

Allele frequency attached by ClinVar (database versions not stated): TOPMed below 0.00001.
gnomAD v4.1: 10 of 1,546,680 alleles (0.00065%); highest among the groups gnomAD compares: Non-Finnish European, 0.00087%; no homozygotes.

Submission:

Ambry Genetics
Classification: Uncertain significance for Hereditary cancer-predisposing syndrome. Last evaluated: 2023-10-27. Review status: criteria provided, single submitter. Criteria: Ambry Variant Classification Scheme 2023. Collection method: clinical testing. Allele origin: germline.
Comment: The c.-1G>A variant is located in the 5' untranslated region (5&rsquo; UTR) of the BARD1 gene. This variant results from a G to A substitution 1 bases upstream from the first translated codon. This nucleotide position is well conserved in available vertebrate species. Since supporting evidence is limited at this time, the clinical significance of this alteration remains unclear.